The following is an entry in ClinVar:

ClinVar aggregate classification (germline): Uncertain significance (1 of 4 stars; one submission).

Conditions:
Neurofibromatosis, type 1 (NF1). Also called: NEUROFIBROMATOSIS, TYPE I, SOMATIC; Peripheral type neurofibromatosis; VON RECKLINGHAUSEN DISEASE; Neurofibromatosis, type I. Identifiers: Orphanet 636, MedGen C0027831, MONDO:0018975, OMIM 162200. Disease mechanism: loss of function.

Submission:

Labcorp Genetics (formerly Invitae), Labcorp
Classification: Uncertain significance for Neurofibromatosis, type 1. Last evaluated: 2020-01-02. Review status: criteria provided, single submitter. Criteria: Invitae Variant Classification Sherloc (09022015). Collection method: clinical testing. Allele origin: germline.
Comment: This variant has not been reported in the literature in individuals with NF1-related conditions. This variant is not present in population databases (ExAC no frequency). This sequence change replaces histidine with aspartic acid at codon 2240 of the NF1 protein (p.His2240Asp). The histidine residue is highly conserved and there is a moderate physicochemical difference between histidine and aspartic acid. Algorithms developed to predict the effect of missense changes on protein structure and function are either unavailable or do not agree on the potential impact of this missense change (SIFT: "Deleterious"; PolyPhen-2: "Probably Damaging"; Align-GVGD: "Class C0"). In summary, the available evidence is currently insufficient to determine the role of this variant in disease. Therefore, it has been classified as a Variant of Uncertain Significance.

NM_001042492.3(NF1):c.6781C>G (p.His2261Asp)

Gene: NF1 (neurofibromin 1; plus strand). Cytogenetic location: 17q11.2.
Variant type: single nucleotide variant.
Coding change: c.6781C>G on transcript NM_001042492.3 (MANE Select); coding-DNA position 6781, C replaced by G.
Protein change: p.His2261Asp; replaces histidine 2261 with aspartic acid.
Molecular consequence: missense variant.
Genome position (GRCh38, 1-based): chr17:31,338,101, C>G. VCF-style: chr17-31338101-C-G. GRCh37 (hg19) VCF-style: chr17-29665119-C-G.
Other names: c.6718C>G, p.His2240Asp (NM_000267.4); short protein forms H2240D, H2261D.
Identifiers: ClinVar variation 1006103 (VCV001006103.5), dbSNP rs750869272, ClinGen allele CA399014142.